The following is an entry in ClinVar:

NM_152703.5(SAMD9L):c.2399T>C (p.Leu800Pro)

Gene: SAMD9L (sterile alpha motif domain containing 9 like; minus strand). Cytogenetic location: 7q21.2.
Variant type: single nucleotide variant.
Coding change: c.2399T>C on transcript NM_152703.5 (MANE Select); coding-DNA position 2399, T replaced by C.
Protein change: p.Leu800Pro; replaces leucine 800 with proline.
Molecular consequence: missense variant.
Genome position (GRCh38, 1-based): chr7:93,133,573, A>G on the plus strand (T>C on the coding strand, the complement: SAMD9L is on the minus strand). VCF-style: chr7-93133573-A-G. GRCh37 (hg19) VCF-style: chr7-92762886-A-G.
Other names: c.2399T>C, p.Leu800Pro (NM_001303496.3, NM_001303497.3, NM_001303498.3 and 5 more transcripts); short protein forms L800P.
Identifiers: ClinVar variation 4844795 (VCV004844795.1).

ClinVar aggregate classification (germline): Uncertain significance (1 of 4 stars; one submission).

Conditions:
Inborn genetic diseases. Identifiers: MedGen C0950123, MeSH D030342.

Submission:

Ambry Genetics
Classification: Uncertain significance for Inborn genetic diseases. Last evaluated: 2026-01-15. Review status: criteria provided, single submitter. Criteria: Ambry Variant Classification Scheme 2023. Collection method: clinical testing. Allele origin: germline.
Comment: The p.L800P variant (also known as c.2399T>C), located in coding exon 1 of the SAMD9L gene, results from a T to C substitution at nucleotide position 2399. The leucine at codon 800 is replaced by proline, an amino acid with similar properties. This amino acid position is conserved. In addition, this alteration is predicted to be deleterious by in silico analysis. Based on the available evidence, the clinical significance of this variant remains unclear.